The following is an entry in ClinVar:

ClinVar aggregate classification (germline): Uncertain significance (1 of 4 stars; one submission).

Conditions:
Beckwith-Wiedemann syndrome (BWS). Also called: Exomphalos macroglossia gigantism syndrome; EMG SYNDROME. Identifiers: Orphanet 116, MedGen C0004903, MONDO:0007534, OMIM 130650.

Submission:

Labcorp Genetics (formerly Invitae), Labcorp
Classification: Uncertain significance for Beckwith-Wiedemann syndrome. Last evaluated: 2025-09-09. Review status: criteria provided, single submitter. Criteria: Invitae Variant Classification Sherloc (09022015). Collection method: clinical testing. Allele origin: germline.
Comment: This sequence change replaces proline, which is neutral and non-polar, with arginine, which is basic and polar, at codon 190 of the CDKN1C protein (p.Pro190Arg). The frequency data for this variant in the population databases is considered unreliable, as metrics indicate insufficient coverage at this position in the gnomAD database. This variant has not been reported in the literature in individuals affected with CDKN1C-related conditions. Invitae Evidence Modeling of protein sequence and biophysical properties (such as structural, functional, and spatial information, amino acid conservation, physicochemical variation, residue mobility, and thermodynamic stability) indicates that this missense variant is not expected to disrupt CDKN1C protein function with a negative predictive value of 80%. In summary, the available evidence is currently insufficient to determine the role of this variant in disease. Therefore, it has been classified as a Variant of Uncertain Significance.

NM_001122630.2(CDKN1C):c.536C>G (p.Pro179Arg)

Gene: CDKN1C (cyclin dependent kinase inhibitor 1C; minus strand). Cytogenetic location: 11p15.4.
Variant type: single nucleotide variant.
Coding change: c.536C>G on transcript NM_001122630.2 (MANE Select); coding-DNA position 536, C replaced by G.
Protein change: p.Pro179Arg; replaces proline 179 with arginine.
Molecular consequence: missense variant. On other transcripts: intron variant (1).
Genome position (GRCh38, 1-based): chr11:2,884,921, G>C on the plus strand (C>G on the coding strand, the complement: CDKN1C is on the minus strand). VCF-style: chr11-2884921-G-C. GRCh37 (hg19) VCF-style: chr11-2906151-G-C.
Other names: c.569C>G, p.Pro190Arg (NM_001362474.2, NM_000076.2); c.255+281C>G (NM_001362475.2); c.536C>G, p.Pro179Arg (NM_001122631.2); short protein forms P190R, P179R.
Identifiers: ClinVar variation 4781192 (VCV004781192.1).
Genomic context (GRCh38, chr11:2,884,921, plus strand): 5'-GGGGCCGGGGCCGGGGCCGGGGCCGGGGCTGGGGCCGGGGCCGCGACTGGAGCCGGGGCC[G>C]GAGCCGGAGCCGGAGCCGGGGCCGGGGCCGGGGCCAGGACCGCGACCGCGACCGGAGCCG-3'
Protein context (NP_001116102.1, residues 169-189): PAPAPAPAPA[Pro179Arg]APAPVAAPAP